The following is an entry in ClinVar:

ClinVar aggregate classification (germline): Uncertain significance. Review status: criteria provided, multiple submitters, no conflicts (2 of 4 stars). 3 submissions from 3 submitters: Uncertain significance (3). Last evaluated 2025-11-18.

Conditions:
Bardet-Biedl syndrome 11 (BBS11). Identifiers: Orphanet 110, MedGen C1859569, MONDO:0014439, OMIM 615988.
Sarcotubular myopathy (LGMDR8). Also called: Hutterite type of muscular dystrophy; Autosomal recessive limb-girdle muscular dystrophy type 2H; Limb-girdle muscular dystrophy, type 2H; MUSCULAR DYSTROPHY, LIMB-GIRDLE, AUTOSOMAL RECESSIVE 8. Identifiers: Orphanet 1878, MedGen C0270968, MONDO:0009683, OMIM 254110.
TRIM32-related disorder. Also called: TRIM32-related condition.
Bardet-Biedl syndrome (BBS). Identifiers: Orphanet 110, MedGen C0752166, MONDO:0015229.

Allele frequency attached by ClinVar (database versions not stated): gnomAD exomes below 0.00001 and 0.00001; ExAC 0.00003; gnomAD 0.00003; TOPMed 0.00005; ESP Exome Variant Server 0.00015; 1000 Genomes Project 30x 0.00031; 1000 Genomes Project 0.00040.
gnomAD v4.1: 15 of 1,614,230 alleles (0.00093%); highest among the groups gnomAD compares: African/African-American, 0.0093%; no homozygotes.

Submissions (3):

PreventionGenetics, part of Exact Sciences
Classification: Uncertain significance for TRIM32-related condition. Last evaluated: 2025-11-18. Review status: criteria provided, single submitter. Criteria: ACMG Guidelines, 2015. Collection method: clinical testing. Allele origin: germline.
Comment: The TRIM32 c.1400G>C variant is predicted to result in the amino acid substitution p.Ser467Thr. To our knowledge, this variant has not been reported in the literature. This variant is reported in 0.012% of alleles in individuals of African descent in gnomAD. At this time, the clinical significance of this variant is uncertain due to the absence of conclusive functional and genetic evidence.

Fulgent Genetics
Classification: Uncertain significance for Sarcotubular myopathy; Bardet-Biedl syndrome 11. Last evaluated: 2024-05-16. Review status: criteria provided, single submitter. Criteria: ACMG Guidelines, 2015. Collection method: clinical testing. Allele origin: germline.

Labcorp Genetics (formerly Invitae), Labcorp
Classification: Uncertain significance for Bardet-Biedl syndrome. Last evaluated: 2022-01-06. Review status: criteria provided, single submitter. Criteria: Invitae Variant Classification Sherloc (09022015). Collection method: clinical testing. Allele origin: germline.
Comment: This sequence change replaces serine, which is neutral and polar, with threonine, which is neutral and polar, at codon 467 of the TRIM32 protein (p.Ser467Thr). This variant is present in population databases (rs151116227, gnomAD 0.02%). This variant has not been reported in the literature in individuals affected with TRIM32-related conditions. ClinVar contains an entry for this variant (Variation ID: 960963). Algorithms developed to predict the effect of missense changes on protein structure and function (SIFT, PolyPhen-2, Align-GVGD) all suggest that this variant is likely to be tolerated. In summary, the available evidence is currently insufficient to determine the role of this variant in disease. Therefore, it has been classified as a Variant of Uncertain Significance.

NM_012210.4(TRIM32):c.1400G>C (p.Ser467Thr)

Genes: ASTN2 (astrotactin 2; minus strand), TRIM32 (tripartite motif containing 32; plus strand). Cytogenetic location: 9q33.1.
Variant type: single nucleotide variant.
Coding change: c.1400G>C on transcript NM_012210.4 (MANE Select); coding-DNA position 1400, G replaced by C.
Protein change: p.Ser467Thr; replaces serine 467 with threonine.
Molecular consequence: missense variant. On other transcripts: intron variant (3).
Genome position (GRCh38, 1-based): chr9:116,699,142, G>C. VCF-style: chr9-116699142-G-C. GRCh37 (hg19) VCF-style: chr9-119461421-G-C.
Other names: c.1400G>C, p.Ser467Thr (NM_001099679.2, NM_001379048.1, NM_001379049.1 and 1 more transcripts); c.2653+26629C>G (NM_014010.5); c.2794+26629C>G (NM_001365069.1); c.2806+26629C>G (NM_001365068.1); short protein forms S467T.
Identifiers: ClinVar variation 960963 (VCV000960963.10), dbSNP rs151116227, ClinGen allele CA5211141.
Genomic context (GRCh38, chr9:116,699,142, plus strand): 5'-GCTATGATAACTCCCTCAAGGTATATACCTTGGATGGCCACTGCGTGGCCTGTCACAGGA[G>C]CCAGCTGAGCAAACCATGGGGTATCACAGCCTTGCCATCTGGCCAGTTTGTAGTAACCGA-3'
Protein context (NP_036342.2, residues 457-477): LDGHCVACHR[Ser467Thr]QLSKPWGITA